The following is an entry in ClinVar:

ClinVar aggregate classification (germline): Likely benign. Review status: criteria provided, multiple submitters, no conflicts (2 of 4 stars). 4 submissions from 4 submitters: Likely benign (3). 1 of the submissions does not count toward it. Last evaluated 2026-06-12.

Conditions:
Polyps, multiple and recurrent inflammatory fibroid, gastrointestinal. Identifiers: MedGen C5193005, MONDO:0008285, OMIM 175510.
Hereditary cancer-predisposing syndrome. Also called: Hereditary neoplastic syndrome; Neoplastic Syndromes, Hereditary; Hereditary Cancer Syndrome; Tumor predisposition. Identifiers: Orphanet 140162, MedGen C0027672, MeSH D009386, MONDO:0015356.
Gastrointestinal stromal tumor. Also called: Gastrointestinal stromal tumor, somatic; Gastrointestinal stroma tumor. Identifiers: Orphanet 44890, MedGen C0238198, MeSH D046152, MONDO:0011719, OMIM 606764, HP:0100723.

Allele frequency attached by ClinVar (database versions not stated): gnomAD 0.00001; gnomAD exomes 0.00001; TOPMed 0.00001.
gnomAD v4.1: 23 of 1,613,404 alleles (0.0014%); highest among the groups gnomAD compares: Non-Finnish European, 0.0016%; no homozygotes.

Submissions (4):

Myriad Genetics, Inc.
Classification: Likely benign for Polyps, multiple and recurrent inflammatory fibroid, gastrointestinal. Last evaluated: 2026-06-12. Review status: criteria provided, single submitter. Criteria: Myriad Autosomal Dominant, Autosomal Recessive and X-Linked Classification Criteria (2023). Collection method: clinical testing. Allele origin: unknown.
Comment: This variant is considered likely benign. This variant is intronic and is not expected to impact mRNA splicing.

Labcorp Genetics (formerly Invitae), Labcorp
Classification: Likely benign for Gastrointestinal stromal tumor. Last evaluated: 2026-01-07. Review status: criteria provided, single submitter. Criteria: Invitae Variant Classification Sherloc (09022015). Collection method: clinical testing. Allele origin: germline.

Ambry Genetics
Classification: Likely benign for Hereditary cancer-predisposing syndrome. Last evaluated: 2025-01-23. Review status: criteria provided, single submitter. Criteria: Ambry Variant Classification Scheme 2023. Collection method: clinical testing. Allele origin: germline.

Genetic Services Laboratory, University of Chicago
Classification: Likely benign. Last evaluated: 2022-07-27. Review status: no assertion criteria provided. Collection method: clinical testing. Allele origin: germline. Affected: no. Not counted in ClinVar's aggregate classification.

NM_006206.6(PDGFRA):c.368-4A>G

Gene: PDGFRA (platelet derived growth factor receptor alpha; plus strand). Cytogenetic location: 4q12.
Variant type: single nucleotide variant.
Coding change: c.368-4A>G on transcript NM_006206.6 (MANE Select); 4 bases into the intron before coding-DNA position 368, A replaced by G.
Molecular consequence: intron variant.
Genome position (GRCh38, 1-based): chr4:54,263,663, A>G. VCF-style: chr4-54263663-A-G. GRCh37 (hg19) VCF-style: chr4-55129830-A-G.
Other names: c.443-4A>G (NM_001347828.2); c.368-4A>G (NM_001347827.2, NM_001347829.2, NM_006206.5); c.407-4A>G (NM_001347830.2).
Identifiers: ClinVar variation 528685 (VCV000528685.19), dbSNP rs944515268, ClinGen allele CA96848933.